The following is an entry in ClinVar:

NM_005559.4(LAMA1):c.4168G>A (p.Asp1390Asn)

Gene: LAMA1 (laminin subunit alpha 1; minus strand). Cytogenetic location: 18p11.31.
Variant type: single nucleotide variant.
Coding change: c.4168G>A on transcript NM_005559.4 (MANE Select); coding-DNA position 4168, G replaced by A.
Protein change: p.Asp1390Asn; replaces aspartic acid 1390 with asparagine.
Molecular consequence: missense variant.
Genome position (GRCh38, 1-based): chr18:7,007,231, C>T on the plus strand (G>A on the coding strand, the complement: LAMA1 is on the minus strand). VCF-style: chr18-7007231-C-T. GRCh37 (hg19) VCF-style: chr18-7007230-C-T.
Other names: short protein forms D1390N.
Identifiers: ClinVar variation 1360906 (VCV001360906.6), dbSNP rs2144107301, ClinGen allele CA401847444.

ClinVar aggregate classification (germline): Uncertain significance (1 of 4 stars; one submission).

Allele frequency attached by ClinVar (database versions not stated): gnomAD exomes below 0.00001.
gnomAD v4.1: 2 of 1,614,140 alleles (0.00012%); highest among the groups gnomAD compares: East Asian, 0.0022%; no homozygotes.

Submission:

Labcorp Genetics (formerly Invitae), Labcorp
Classification: Uncertain significance. Last evaluated: 2023-10-03. Review status: criteria provided, single submitter. Criteria: Invitae Variant Classification Sherloc (09022015). Collection method: clinical testing. Allele origin: germline.
Comment: This sequence change replaces aspartic acid, which is acidic and polar, with asparagine, which is neutral and polar, at codon 1390 of the LAMA1 protein (p.Asp1390Asn). This variant is not present in population databases (gnomAD no frequency). This variant has not been reported in the literature in individuals affected with LAMA1-related conditions. ClinVar contains an entry for this variant (Variation ID: 1360906). Advanced modeling of protein sequence and biophysical properties (such as structural, functional, and spatial information, amino acid conservation, physicochemical variation, residue mobility, and thermodynamic stability) performed at Invitae indicates that this missense variant is not expected to disrupt LAMA1 protein function. In summary, the available evidence is currently insufficient to determine the role of this variant in disease. Therefore, it has been classified as a Variant of Uncertain Significance.